The following is an entry in ClinVar:

NM_003151.4(STAT4):c.469A>G (p.Thr157Ala)

Gene: STAT4 (signal transducer and activator of transcription 4; minus strand). Cytogenetic location: 2q32.2.
Variant type: single nucleotide variant.
Coding change: c.469A>G on transcript NM_003151.4 (MANE Select); coding-DNA position 469, A replaced by G.
Protein change: p.Thr157Ala; replaces threonine 157 with alanine.
Molecular consequence: missense variant.
Genome position (GRCh38, 1-based): chr2:191,069,768, T>C on the plus strand (A>G on the coding strand, the complement: STAT4 is on the minus strand). VCF-style: chr2-191069768-T-C. GRCh37 (hg19) VCF-style: chr2-191934494-T-C.
Other names: c.469A>G (NM_003151.3); c.469A>G, p.Thr157Ala (NM_001243835.2); short protein forms T157A.
Identifiers: ClinVar variation 2885869 (VCV002885869.4), dbSNP rs372399682, ClinGen allele CA62695630.

ClinVar aggregate classification (germline): Uncertain significance. Review status: criteria provided, multiple submitters, no conflicts (2 of 4 stars). 2 submissions from 2 submitters: Uncertain significance (2). Last evaluated 2024-10-21.

Allele frequency attached by ClinVar (database versions not stated): TOPMed 0.00001; gnomAD 0.00002; ESP Exome Variant Server 0.00008.
gnomAD v4.1: 27 of 1,607,276 alleles (0.0017%); highest among the groups gnomAD compares: African/African-American, 0.0027%; no homozygotes.

Submissions (2):

Ambry Genetics
Classification: Uncertain significance. Last evaluated: 2024-10-21. Review status: criteria provided, single submitter. Criteria: Ambry Variant Classification Scheme 2023. Collection method: clinical testing. Allele origin: germline.

Labcorp Genetics (formerly Invitae), Labcorp
Classification: Uncertain significance. Last evaluated: 2023-04-07. Review status: criteria provided, single submitter. Criteria: Invitae Variant Classification Sherloc (09022015). Collection method: clinical testing. Allele origin: germline.
Comment: In summary, the available evidence is currently insufficient to determine the role of this variant in disease. Therefore, it has been classified as a Variant of Uncertain Significance. Advanced modeling of protein sequence and biophysical properties (such as structural, functional, and spatial information, amino acid conservation, physicochemical variation, residue mobility, and thermodynamic stability) performed at Invitae indicates that this missense variant is not expected to disrupt STAT4 protein function. This variant has not been reported in the literature in individuals affected with STAT4-related conditions. This variant is present in population databases (rs372399682, gnomAD 0.002%). This sequence change replaces threonine, which is neutral and polar, with alanine, which is neutral and non-polar, at codon 157 of the STAT4 protein (p.Thr157Ala).